The following is an entry in ClinVar:

ClinVar aggregate classification (germline): Uncertain significance (1 of 4 stars; one submission).

Conditions:
Hereditary cancer-predisposing syndrome. Also called: Hereditary neoplastic syndrome; Neoplastic Syndromes, Hereditary; Tumor predisposition; Hereditary Cancer Syndrome. Identifiers: Orphanet 140162, MedGen C0027672, MeSH D009386, MONDO:0015356.

Submission:

Ambry Genetics
Classification: Uncertain significance for Hereditary cancer-predisposing syndrome. Last evaluated: 2025-08-27. Review status: criteria provided, single submitter. Criteria: Ambry Variant Classification Scheme 2023. Collection method: clinical testing. Allele origin: germline.
Comment: The p.A227S variant (also known as c.679G>T), located in coding exon 8 of the MUTYH gene, results from a G to T substitution at nucleotide position 679. The alanine at codon 227 is replaced by serine, an amino acid with similar properties. This amino acid position is conserved. In addition, the in silico prediction for this alteration is inconclusive. Based on the available evidence, the clinical significance of this variant remains unclear.

NM_001048174.2(MUTYH):c.595G>T (p.Ala199Ser)

Gene: MUTYH (mutY DNA glycosylase; minus strand). Cytogenetic location: 1p34.1.
Variant type: single nucleotide variant.
Coding change: c.595G>T on transcript NM_001048174.2 (MANE Select); coding-DNA position 595, G replaced by T.
Protein change: p.Ala199Ser; replaces alanine 199 with serine.
Molecular consequence: missense variant. On other transcripts: non-coding transcript variant (7).
Genome position (GRCh38, 1-based): chr1:45,332,585, C>A on the plus strand (G>T on the coding strand, the complement: MUTYH is on the minus strand). VCF-style: chr1-45332585-C-A. GRCh37 (hg19) VCF-style: chr1-45798257-C-A.
Other names: c.679G>T, p.Ala227Ser (NM_001128425.2); c.640G>T, p.Ala214Ser (NM_001293190.2); c.628G>T, p.Ala210Ser (NM_001293191.2, NM_001407069.1, NM_001407077.1); c.319G>T, p.Ala107Ser (NM_001293192.2, NM_001293196.2, NM_001407091.1); c.595G>T, p.Ala199Ser (NM_001293195.2, NM_001407088.1, NM_001407089.1 and 6 more transcripts); c.250G>T, p.Ala84Ser (NM_001350650.2, NM_001350651.2, NM_001407082.1); c.637G>T, p.Ala213Ser (NM_001407083.1, NM_001407085.1); c.598G>T, p.Ala200Ser (NM_001407086.1, NM_001048172.2, NM_001407071.1 and 1 more transcripts); and 5 more; short protein forms A171S, A185S, A200S, A84S, A199S, A227S, A107S, A186S.
Identifiers: ClinVar variation 4113787 (VCV004113787.1).